The following is an entry in ClinVar:

ClinVar aggregate classification (germline): Likely pathogenic (1 of 4 stars; one submission).

Conditions:
Hereditary spastic paraplegia 5A (SPG5A). Also called: SPASTIC PARAPLEGIA 5A, AUTOSOMAL RECESSIVE. Identifiers: Orphanet 100986, MedGen C1849115, MONDO:0010047, OMIM 270800.

gnomAD v4.1: 2 of 1,614,050 alleles (0.00012%); highest among the groups gnomAD compares: Non-Finnish European, 0.00017%; no homozygotes.

Submission:

Victorian Clinical Genetics Services, Murdoch Childrens Research Institute
Classification: Likely pathogenic for Hereditary spastic paraplegia 5A. Last evaluated: 2025-11-06. Review status: criteria provided, single submitter. Criteria: ACMG Guidelines, 2015. Collection method: clinical testing. Allele origin: germline. Affected: yes.
Comment: This variant is classified as Likely pathogenic. Evidence in support of pathogenic classification: Variant is present in gnomAD <0.01 for a recessive condition (v4: 2 heterozygote(s), 0 homozygote(s)); Missense variant predicted to be damaging by in silico tool(s) or highly conserved with a major amino acid change; Heterozygous variant detected in trans with a second PATHOGENIC heterozygous variant (NM_004820.5(CYP7B1):c.1456C>T; p.(Arg486Cys)) in a recessive disease. Additional information: Variant is predicted to result in a missense amino acid change from Gly to Ser; This variant is heterozygous; This gene is associated with autosomal recessive disease; This variant has no previous evidence of pathogenicity; No published evidence of segregation with disease has been identified for this variant; No published functional evidence has been identified for this variant; No comparable missense variants have previous evidence for pathogenicity; Variant is located in the annotated p450 domain (DECIPHER); Loss of function is a known mechanism of disease in this gene and is associated with congenital bile acid synthesis defect 3 (MIM#3613812) and autosomal recessive spastic paraplegia 5A (MIM#270800); Inheritance information for this variant is not currently available in this individual.

NM_004820.5(CYP7B1):c.1351G>A (p.Gly451Ser)

Gene: CYP7B1 (cytochrome P450 family 7 subfamily B member 1; minus strand). Cytogenetic location: 8q12.3.
Variant type: single nucleotide variant.
Coding change: c.1351G>A on transcript NM_004820.5 (MANE Select); coding-DNA position 1351, G replaced by A.
Protein change: p.Gly451Ser; replaces glycine 451 with serine.
Molecular consequence: missense variant. On other transcripts: intron variant (1).
Genome position (GRCh38, 1-based): chr8:64,596,812, C>T on the plus strand (G>A on the coding strand, the complement: CYP7B1 is on the minus strand). VCF-style: chr8-64596812-C-T. GRCh37 (hg19) VCF-style: chr8-65509369-C-T.
Other names: c.1234-6968G>A (NM_001324112.2); short protein forms G451S.
Identifiers: ClinVar variation 4532102 (VCV004532102.1).